The following is an entry in ClinVar:

NM_177972.3(TUB):c.19T>G (p.Ser7Ala)

Gene: TUB (TUB bipartite transcription factor; plus strand). Cytogenetic location: 11p15.4.
Variant type: single nucleotide variant.
Coding change: c.19T>G on transcript NM_177972.3 (MANE Select); coding-DNA position 19, T replaced by G.
Protein change: p.Ser7Ala; replaces serine 7 with alanine.
Molecular consequence: missense variant. On other transcripts: intron variant (1).
Genome position (GRCh38, 1-based): chr11:8,081,529, T>G. VCF-style: chr11-8081529-T-G. GRCh37 (hg19) VCF-style: chr11-8103076-T-G.
Other names: c.204-8081T>G (NM_003320.5); short protein forms S7A.
Identifiers: ClinVar variation 2629307 (VCV002629307.3), dbSNP rs780206835, ClinGen allele CA5870885.

ClinVar aggregate classification (germline): Uncertain significance (0 of 4 stars; one submission).

Conditions:
TUB-related disorder. Also called: TUB-related condition.

Allele frequency attached by ClinVar (database versions not stated): gnomAD 0.00001; ExAC 0.00002; gnomAD exomes 0.00003.

Submission:

PreventionGenetics, part of Exact Sciences
Classification: Uncertain significance for TUB-related condition. Last evaluated: 2024-04-03. Review status: no assertion criteria provided. Collection method: clinical testing. Allele origin: germline.
Comment: The TUB c.19T>G variant is predicted to result in the amino acid substitution p.Ser7Ala. To our knowledge, this variant has not been reported in the literature. This variant is reported in 0.0058% of alleles in individuals of European (non-Finnish) descent in gnomAD. At this time, the clinical significance of this variant is uncertain due to the absence of conclusive functional and genetic evidence.